The following is an entry in ClinVar:

NM_001367624.2(ZNF469):c.9955G>A (p.Gly3319Arg)

Gene: ZNF469 (zinc finger protein 469; plus strand). Cytogenetic location: 16q24.2.
Variant type: single nucleotide variant.
Coding change: c.9955G>A on transcript NM_001367624.2 (MANE Select); coding-DNA position 9955, G replaced by A.
Protein change: p.Gly3319Arg; replaces glycine 3319 with arginine.
Molecular consequence: missense variant.
Genome position (GRCh38, 1-based): chr16:88,437,425, G>A. VCF-style: chr16-88437425-G-A. GRCh37 (hg19) VCF-style: chr16-88503833-G-A.
Other names: NM_001127464.1:c.9871G>A; short protein forms G3319R.
Identifiers: ClinVar variation 3232893 (VCV003232893.3), dbSNP rs1387048787, ClinGen allele CA397125287.

ClinVar aggregate classification (germline): Conflicting classifications of pathogenicity. Review status: criteria provided, conflicting classifications (1 of 4 stars). 3 submissions from 3 submitters: Uncertain significance (2); Likely benign (1). Last evaluated 2026-03-31.

Conditions:
Cardiovascular phenotype. Identifiers: MedGen CN230736.

Allele frequency attached by ClinVar (database versions not stated): gnomAD exomes 0.00001.
gnomAD v4.1: 16 of 1,520,012 alleles (0.0011%); highest among the groups gnomAD compares: South Asian, 0.0037%; no homozygotes.

Submissions (3):

Women's Health and Genetics/Laboratory Corporation of America, LabCorp
Classification: Uncertain significance. Last evaluated: 2026-03-31. Review status: criteria provided, single submitter. Criteria: LabCorp Variant Classification Summary - May 2015. Collection method: clinical testing. Allele origin: germline.
Comment: Variant summary: ZNF469 c.9955G>A (p.Gly3319Arg) results in a non-conservative amino acid change in the encoded protein sequence. Algorithms developed to predict the effect of missense changes on protein structure and function are either unavailable or do not agree on the potential impact of this missense change. The variant allele was found at a frequency of 8.2e-06 in 121378 control chromosomes. The available data on variant occurrences in the general population are insufficient to allow any conclusion about variant significance. To our knowledge, no occurrence of c.9955G>A in individuals affected with ZNF469-related conditions and no experimental evidence demonstrating its impact on protein function have been reported. ClinVar contains an entry for this variant (Variation ID: 3232893). Based on the evidence outlined above, the variant was classified as uncertain significance.

Ambry Genetics
Classification: Uncertain significance for Cardiovascular phenotype. Last evaluated: 2024-02-05. Review status: criteria provided, single submitter. Criteria: Ambry Variant Classification Scheme 2023. Collection method: clinical testing. Allele origin: germline.
Comment: The p.G3291R variant (also known as c.9871G>A), located in coding exon 2 of the ZNF469 gene, results from a G to A substitution at nucleotide position 9871. The glycine at codon 3291 is replaced by arginine, an amino acid with dissimilar properties. This amino acid position is conserved. In addition, this alteration is predicted to be tolerated by in silico analysis. Based on the available evidence, the clinical significance of this alteration remains unclear.

Blueprint Genetics
Classification: Likely benign. Last evaluated: 2022-08-04. Review status: criteria provided, single submitter. Criteria: ACMG Guidelines, 2015. Collection method: clinical testing. Allele origin: germline.